The following is an entry in ClinVar:

NC_000007.13:g.(117235113_117242879)_(117251863_117254666)del

Gene: CFTR (CF transmembrane conductance regulator; plus strand). Cytogenetic location: 7q31.2.
Variant type: Deletion.
Identifiers: ClinVar variation 3339466 (VCV003339466.1).

ClinVar aggregate classification (germline): Pathogenic (1 of 4 stars; one submission).

Conditions:
Cystic fibrosis (CF). Also called: MUCOVISCIDOSIS. Identifiers: Orphanet 586, MedGen C0010674, MONDO:0009061, OMIM 219700. Disease mechanism: loss of function.

Submission:

Women's Health and Genetics/Laboratory Corporation of America, LabCorp
Classification: Pathogenic for Cystic fibrosis. Last evaluated: 2024-07-18. Review status: criteria provided, single submitter. Criteria: LabCorp Variant Classification Summary - May 2015. Collection method: clinical testing. Allele origin: germline.
Comment: Variant summary: The variant involves the deletion of exons 16-20 in the CFTR gene (Legacy name CFTRdel 14b-17b). This Copy Number Variant (CNV) is expected to alter the reading frame and predicted to result in a truncation or absence of the encoded protein due to nonsense mediated decay (NMD). A presumed nomenclature of c.(2619+1_2620-1)_(3367+1_3368-1)del has been designated for the purposes of this classification. The variant was absent in 21694 control chromosomes. c.(2619+1_2620-1)_(3367+1_3368-1)del has been reported in the literature in multiple individuals affected with Cystic Fibrosis (examples: Niel_2004, Chevalier-Porst_2005, Schneider_2006,Schneider_2007,Tomaiuolo_2008). These data indicate that the variant is very likely to be associated with disease. The following publications have been ascertained in the context of this evaluation (PMID: 15520400, 17594397, 15841482, 16990428, 16493442, 18280224). ClinVar contains an entry for this variant (Variation ID: 1275739). Based on the evidence outlined above, the variant was classified as pathogenic.

Literature cited by the submitters: PubMed 15520400; PubMed 17594397; PubMed 15841482; PubMed 16990428; PubMed 16493442; PubMed 18280224.